The following is an entry in ClinVar:

NM_058246.4(DNAJB6):c.280C>T (p.Arg94Cys)

Gene: DNAJB6 (DnaJ heat shock protein family (Hsp40) member B6; plus strand). Cytogenetic location: 7q36.3.
Variant type: single nucleotide variant.
Coding change: c.280C>T on transcript NM_058246.4 (MANE Select); coding-DNA position 280, C replaced by T.
Protein change: p.Arg94Cys; replaces arginine 94 with cysteine.
Molecular consequence: missense variant.
Genome position (GRCh38, 1-based): chr7:157,367,417, C>T. VCF-style: chr7-157367417-C-T. GRCh37 (hg19) VCF-style: chr7-157160111-C-T.
Other names: c.280C>T, p.Arg94Cys (NM_001363676.1, NM_005494.3); short protein forms R94C.
Identifiers: ClinVar variation 1382741 (VCV001382741.6), dbSNP rs1799898371, ClinGen allele CA370166122.

ClinVar aggregate classification (germline): Uncertain significance (1 of 4 stars; one submission).

Conditions:
Autosomal dominant limb-girdle muscular dystrophy type 1D (DNAJB6) (LGMDD1). Also called: MUSCULAR DYSTROPHY, LIMB-GIRDLE, TYPE 1D; Autosomal dominant limb-girdle muscular dystrophy type 1D; Muscular dystrophy, limb-girdle, autosomal dominant 1; MUSCULAR DYSTROPHY, AUTOSOMAL DOMINANT, WITH RIMMED VACUOLES. Identifiers: Orphanet 34516, MedGen C4721885, MONDO:0021018, OMIM 603511.

Allele frequency attached by ClinVar (database versions not stated): gnomAD 0.00001.
gnomAD v4.1: 1 of 1,613,452 alleles (0.000062%); highest among the groups gnomAD compares: African/African-American, 0.0013%; no homozygotes.

Submission:

Labcorp Genetics (formerly Invitae), Labcorp
Classification: Uncertain significance for Autosomal dominant limb-girdle muscular dystrophy type 1D (DNAJB6). Last evaluated: 2022-06-27. Review status: criteria provided, single submitter. Criteria: Invitae Variant Classification Sherloc (09022015). Collection method: clinical testing. Allele origin: germline.
Comment: This variant is not present in population databases (gnomAD no frequency). This sequence change replaces arginine, which is basic and polar, with cysteine, which is neutral and slightly polar, at codon 94 of the DNAJB6 protein (p.Arg94Cys). This variant has not been reported in the literature in individuals affected with DNAJB6-related conditions. In summary, the available evidence is currently insufficient to determine the role of this variant in disease. Therefore, it has been classified as a Variant of Uncertain Significance. Advanced modeling of protein sequence and biophysical properties (such as structural, functional, and spatial information, amino acid conservation, physicochemical variation, residue mobility, and thermodynamic stability) performed at Invitae indicates that this missense variant is expected to disrupt DNAJB6 protein function.